The following is an entry in ClinVar:

ClinVar aggregate classification (germline): Uncertain significance (1 of 4 stars; one submission).

Conditions:
Hereditary cancer-predisposing syndrome. Also called: Neoplastic Syndromes, Hereditary; Tumor predisposition; Hereditary neoplastic syndrome; Hereditary Cancer Syndrome. Identifiers: Orphanet 140162, MedGen C0027672, MeSH D009386, MONDO:0015356.

Allele frequency attached by ClinVar (database versions not stated): gnomAD exomes below 0.00001.

Submission:

Ambry Genetics
Classification: Uncertain significance for Hereditary cancer-predisposing syndrome. Last evaluated: 2024-03-11. Review status: criteria provided, single submitter. Criteria: Ambry Variant Classification Scheme 2023. Collection method: clinical testing. Allele origin: germline.
Comment: The p.Q1118E variant (also known as c.3352C>G), located in coding exon 9 of the BRCA1 gene, results from a C to G substitution at nucleotide position 3352. The glutamine at codon 1118 is replaced by glutamic acid, an amino acid with highly similar properties. This amino acid position is not well conserved in available vertebrate species. In addition, the in silico prediction for this alteration is inconclusive. Based on the available evidence, the clinical significance of this alteration remains unclear.

NM_007294.4(BRCA1):c.3352C>G (p.Gln1118Glu)

Genes: BRCA1 (BRCA1 DNA repair associated; minus strand), LOC126862571 (BRD4-independent group 4 enhancer GRCh37_chr17:41243136-41244335; plus strand). Cytogenetic location: 17q21.31.
Variant type: single nucleotide variant.
Coding change: c.3352C>G on transcript NM_007294.4 (MANE Select); coding-DNA position 3352, C replaced by G.
Protein change: p.Gln1118Glu; replaces glutamine 1118 with glutamic acid.
Molecular consequence: missense variant. On other transcripts: intron variant (137).
Genome position (GRCh38, 1-based): chr17:43,092,179, G>C on the plus strand (C>G on the coding strand, the complement: BRCA1 is on the minus strand). VCF-style: chr17-43092179-G-C. GRCh37 (hg19) VCF-style: chr17-41244196-G-C.
Other names: c.665-1147C>G (NM_001408443.1, NM_001408425.1, NM_001408439.1 and 12 more transcripts); c.788-1147C>G (NM_001408403.1, NM_001407983.1, NM_001407971.1 and 17 more transcripts); c.3352C>G, p.Gln1118Glu (NM_007300.4, NM_001407581.1, NM_001407582.1 and 30 more transcripts); c.647-1147C>G (NM_001408458.1, NM_001408460.1, NM_001408454.1 and 11 more transcripts); c.284-1147C>G (NM_001408512.1); c.791-1156C>G (NM_001408406.1); c.407-1147C>G (NM_001408510.1); c.671-1147C>G (NM_001408419.1, NM_001408422.1, NM_001408418.1 and 2 more transcripts); and 41 more; short protein forms Q1006E, Q1007E, Q1029E, Q1030E, Q1047E, Q1048E, Q1050E, Q1051E.
Identifiers: ClinVar variation 3226136 (VCV003226136.1), dbSNP rs397507215, ClinGen allele CA10595272.